The following is an entry in ClinVar:

NM_001458.5(FLNC):c.5993A>G (p.Asn1998Ser)

Genes: FLNC (filamin C; plus strand), FLNC-AS1 (FLNC antisense RNA 1; minus strand). Cytogenetic location: 7q32.1.
Variant type: single nucleotide variant.
Coding change: c.5993A>G on transcript NM_001458.5 (MANE Select); coding-DNA position 5993, A replaced by G.
Protein change: p.Asn1998Ser; replaces asparagine 1998 with serine.
Molecular consequence: missense variant.
Genome position (GRCh38, 1-based): chr7:128,852,741, A>G. VCF-style: chr7-128852741-A-G. GRCh37 (hg19) VCF-style: chr7-128492795-A-G.
Other names: c.5894A>G, p.Asn1965Ser (NM_001127487.2); short protein forms N1965S, N1998S.
Identifiers: ClinVar variation 4812657 (VCV004812657.2).

ClinVar aggregate classification (germline): Uncertain significance. Review status: criteria provided, multiple submitters, no conflicts (2 of 4 stars). 2 submissions from 2 submitters: Uncertain significance (2). Last evaluated 2026-06-09.

Conditions:
Cardiovascular phenotype. Identifiers: MedGen CN230736.
Distal myopathy with posterior leg and anterior hand involvement. Also called: WILLIAMS DISTAL MYOPATHY. Identifiers: Orphanet 63273, MedGen C3279722, MONDO:0013550, OMIM 614065.
Hypertrophic cardiomyopathy 26. Also called: Cardiomyopathy, familial hypertrophic, 26. Identifiers: Orphanet 75249, MedGen C4310749, MONDO:0014883, OMIM 617047.
Myofibrillar myopathy 5. Also called: Filaminopathy (type); FILAMINOPATHY, AUTOSOMAL DOMINANT. Identifiers: Orphanet 171445, MedGen C1836050, MONDO:0012289, OMIM 609524.

Submissions (2):

Ambry Genetics
Classification: Uncertain significance for Cardiovascular phenotype. Last evaluated: 2026-06-09. Review status: criteria provided, single submitter. Criteria: Ambry Variant Classification Scheme 2023. Collection method: clinical testing. Allele origin: germline.
Comment: The p.N1998S variant (also known as c.5993A>G), located in coding exon 36 of the FLNC gene, results from an A to G substitution at nucleotide position 5993. The asparagine at codon 1998 is replaced by serine, an amino acid with highly similar properties. This amino acid position is conserved. In addition, this alteration is predicted to be tolerated by in silico analysis. Based on the available evidence, the clinical significance of this variant remains unclear.

Labcorp Genetics (formerly Invitae), Labcorp
Classification: Uncertain significance for Distal myopathy with posterior leg and anterior hand involvement; Myofibrillar myopathy 5; Hypertrophic cardiomyopathy 26. Last evaluated: 2025-04-03. Review status: criteria provided, single submitter. Criteria: Invitae Variant Classification Sherloc (09022015). Collection method: clinical testing. Allele origin: germline.
Comment: This sequence change replaces asparagine, which is neutral and polar, with serine, which is neutral and polar, at codon 1998 of the FLNC protein (p.Asn1998Ser). This variant is present in population databases (no rsID available, gnomAD 0.06%). This variant has not been reported in the literature in individuals affected with FLNC-related conditions. Invitae Evidence Modeling of protein sequence and biophysical properties (such as structural, functional, and spatial information, amino acid conservation, physicochemical variation, residue mobility, and thermodynamic stability) has been performed for this missense variant. However, the output from this modeling did not meet the statistical confidence thresholds required to predict the impact of this variant on FLNC protein function. In summary, the available evidence is currently insufficient to determine the role of this variant in disease. Therefore, it has been classified as a Variant of Uncertain Significance.